The following is an entry in ClinVar:

NM_020699.4(GATAD2B):c.1540C>T (p.Pro514Ser)

Gene: GATAD2B (GATA zinc finger domain containing 2B; minus strand). Cytogenetic location: 1q21.3.
Variant type: single nucleotide variant.
Coding change: c.1540C>T on transcript NM_020699.4 (MANE Select); coding-DNA position 1540, C replaced by T.
Protein change: p.Pro514Ser; replaces proline 514 with serine.
Molecular consequence: missense variant.
Genome position (GRCh38, 1-based): chr1:153,811,839, G>A on the plus strand (C>T on the coding strand, the complement: GATAD2B is on the minus strand). VCF-style: chr1-153811839-G-A. GRCh37 (hg19) VCF-style: chr1-153784315-G-A.
Other names: short protein forms P514S.
Identifiers: ClinVar variation 3653709 (VCV003653709.2).
Genomic context (GRCh38, chr1:153,811,839, plus strand): 5'-CAAAGTTTGAAAGCATGGAGCGGGCAGATGTGGGTATGCCACGCTGGAGGCTGCTCTGGG[G>A]CTGTGGAGCCTGCAATGATGAGGAGACAGTGGATACAACTTTGATATGATAGAATGTTAA-3'
Protein context (NP_065750.1, residues 504-524): RHHTLRQAPQ[Pro514Ser]QSSLQRGIPT

ClinVar aggregate classification (germline): Uncertain significance (1 of 4 stars; one submission).

gnomAD v4.1: 2 of 1,605,084 alleles (0.00012%); highest among the groups gnomAD compares: Non-Finnish European, 0.00017%; no homozygotes.

Submission:

Labcorp Genetics (formerly Invitae), Labcorp
Classification: Uncertain significance. Last evaluated: 2024-07-23. Review status: criteria provided, single submitter. Criteria: Invitae Variant Classification Sherloc (09022015). Collection method: clinical testing. Allele origin: germline.
Comment: This sequence change replaces proline, which is neutral and non-polar, with serine, which is neutral and polar, at codon 514 of the GATAD2B protein (p.Pro514Ser). This variant is not present in population databases (gnomAD no frequency). This variant has not been reported in the literature in individuals affected with GATAD2B-related conditions. Advanced modeling of protein sequence and biophysical properties (such as structural, functional, and spatial information, amino acid conservation, physicochemical variation, residue mobility, and thermodynamic stability) performed at Invitae indicates that this missense variant is not expected to disrupt GATAD2B protein function with a negative predictive value of 80%. In summary, the available evidence is currently insufficient to determine the role of this variant in disease. Therefore, it has been classified as a Variant of Uncertain Significance.